The following is an entry in ClinVar:

NM_000540.3(RYR1):c.114C>T (p.Ala38=)

Gene: RYR1 (ryanodine receptor 1; plus strand). Cytogenetic location: 19q13.2.
Variant type: single nucleotide variant.
Coding change: c.114C>T on transcript NM_000540.3 (MANE Select); coding-DNA position 114, C replaced by T.
Protein change: p.Ala38=; no amino-acid change (alanine 38 retained).
Molecular consequence: synonymous variant.
Genome position (GRCh38, 1-based): chr19:38,440,813, C>T. VCF-style: chr19-38440813-C-T. GRCh37 (hg19) VCF-style: chr19-38931453-C-T.
Other names: c.114C>T, p.Ala38= (NM_001042723.2).
Identifiers: ClinVar variation 256406 (VCV000256406.16), dbSNP rs150794120, ClinGen allele CA057005.

ClinVar aggregate classification (germline): Likely benign. Review status: criteria provided, multiple submitters, no conflicts (2 of 4 stars). 5 submissions from 5 submitters: Likely benign (5). Last evaluated 2026-02-03.

Conditions:
RYR1-related disorder. Also called: RYR1-related condition; RYR1-related disorders. Identifiers: MedGen CN239331.
Malignant hyperthermia, susceptibility to, 1 (MHS1). Also called: RYR1-Related Malignant Hyperthermia Susceptibility; Anesthesia related hyperthermia; Malignant hyperpyrexia; Fulminating hyperpyrexia; Pharmacogenic myopathy; Malignant hyperthermia suceptibility 1. Identifiers: Orphanet 423, MedGen C2930980, MONDO:0007783, OMIM 145600.

Allele frequency attached by ClinVar (database versions not stated): TOPMed 0.00004; gnomAD 0.00006 and 0.00007; gnomAD exomes 0.00006 and 0.00008; ExAC 0.00009; ESP Exome Variant Server 0.00015; 1000 Genomes Project 30x 0.00016; 1000 Genomes Project 0.00020.
gnomAD v4.1: 97 of 1,609,288 alleles (0.006%); highest among the groups gnomAD compares: Middle Eastern, 0.034%; no homozygotes.

Submissions (5):

Labcorp Genetics (formerly Invitae), Labcorp
Classification: Likely benign for RYR1-related disorder. Last evaluated: 2026-02-03. Review status: criteria provided, single submitter. Criteria: Invitae Variant Classification Sherloc (09022015). Collection method: clinical testing. Allele origin: germline.

Blueprint Genetics
Classification: Likely benign. Last evaluated: 2024-03-27. Review status: criteria provided, single submitter. Criteria: ACMG Guidelines, 2015. Collection method: clinical testing. Allele origin: germline.

All of Us Research Program, National Institutes of Health
Classification: Likely benign for Malignant hyperthermia, susceptibility to, 1. Last evaluated: 2024-01-11. Review status: criteria provided, single submitter. Criteria: ACMG Guidelines, 2015. Collection method: clinical testing. Allele origin: germline. Inheritance: Autosomal dominant inheritance. Observed: 16 variant alleles, 16 heterozygotes.
Comment: This study involves interpretation of variants in research participants for the purpose of population health screening. Participant phenotype was not available at the time of variant classification. Additional details can be found in publication PMID: 35346344, PMCID: PMC8962531

Color Diagnostics, LLC DBA Color Health
Classification: Likely benign for Malignant hyperthermia, susceptibility to, 1. Last evaluated: 2022-11-06. Review status: criteria provided, single submitter. Criteria: ACMG Guidelines, 2015. Collection method: clinical testing. Allele origin: germline.

PreventionGenetics, part of Exact Sciences
Classification: Likely benign. Review status: criteria provided, single submitter. Criteria: ACMG Guidelines, 2015. Collection method: clinical testing. Allele origin: germline.